The following is an entry in ClinVar:

NM_016284.5(CNOT1):c.4446A>C (p.Pro1482=)

Gene: CNOT1 (CCR4-NOT transcription complex subunit 1; minus strand). Cytogenetic location: 16q21.
Variant type: single nucleotide variant.
Coding change: c.4446A>C on transcript NM_016284.5 (MANE Select); coding-DNA position 4446, A replaced by C.
Protein change: p.Pro1482=; no amino-acid change (proline 1482 retained).
Molecular consequence: synonymous variant. On other transcripts: non-coding transcript variant (1).
Genome position (GRCh38, 1-based): chr16:58,542,557, T>G on the plus strand (A>C on the coding strand, the complement: CNOT1 is on the minus strand). VCF-style: chr16-58542557-T-G. GRCh37 (hg19) VCF-style: chr16-58576461-T-G.
Other names: c.4431A>C, p.Pro1477= (NM_001265612.2).
Identifiers: ClinVar variation 3905724 (VCV003905724.10).

ClinVar aggregate classification (germline): Likely benign (1 of 4 stars; one submission).

Submission:

CeGaT Center for Human Genetics Tuebingen
Classification: Likely benign. Last evaluated: 2025-05-01. Review status: criteria provided, single submitter. Criteria: CeGaT Center For Human Genetics Tuebingen Variant Classification Criteria Version 2. Collection method: clinical testing. Allele origin: germline. Affected: yes. Observed: 1 variant allele.
Comment: CNOT1: PM2:Supporting, BP4, BP7